The following is an entry in ClinVar:

ClinVar aggregate classification (germline): Uncertain significance (1 of 4 stars; one submission).

Conditions:
Combined immunodeficiency due to OX40 deficiency. Also called: Immunodeficiency 16; OX40 DEFICIENCY. Identifiers: Orphanet 431149, MedGen C3810053, MONDO:0014268, OMIM 615593.

Allele frequency attached by ClinVar (database versions not stated): gnomAD exomes 0.00001; TOPMed 0.00002; ExAC 0.00003; gnomAD 0.00003; ESP Exome Variant Server 0.00008.
gnomAD v4.1: 20 of 1,603,418 alleles (0.0012%); highest among the groups gnomAD compares: East Asian, 0.0045%; no homozygotes.

Submission:

Labcorp Genetics (formerly Invitae), Labcorp
Classification: Uncertain significance for Combined immunodeficiency due to OX40 deficiency. Last evaluated: 2024-02-24. Review status: criteria provided, single submitter. Criteria: Invitae Variant Classification Sherloc (09022015). Collection method: clinical testing. Allele origin: germline.
Comment: This sequence change replaces threonine, which is neutral and polar, with methionine, which is neutral and non-polar, at codon 62 of the TNFRSF4 protein (p.Thr62Met). The frequency data for this variant in the population databases is considered unreliable, as metrics indicate poor data quality at this position in the gnomAD database. This variant has not been reported in the literature in individuals affected with TNFRSF4-related conditions. ClinVar contains an entry for this variant (Variation ID: 1413367). Advanced modeling of protein sequence and biophysical properties (such as structural, functional, and spatial information, amino acid conservation, physicochemical variation, residue mobility, and thermodynamic stability) performed at Invitae indicates that this missense variant is expected to disrupt TNFRSF4 protein function with a positive predictive value of 80%. In summary, the available evidence is currently insufficient to determine the role of this variant in disease. Therefore, it has been classified as a Variant of Uncertain Significance.

NM_003327.4(TNFRSF4):c.185C>T (p.Thr62Met)

Gene: TNFRSF4 (TNF receptor superfamily member 4; minus strand). Cytogenetic location: 1p36.33.
Variant type: single nucleotide variant.
Coding change: c.185C>T on transcript NM_003327.4 (MANE Select); coding-DNA position 185, C replaced by T.
Protein change: p.Thr62Met; replaces threonine 62 with methionine.
Molecular consequence: missense variant.
Genome position (GRCh38, 1-based): chr1:1,213,746, G>A on the plus strand (C>T on the coding strand, the complement: TNFRSF4 is on the minus strand). VCF-style: chr1-1213746-G-A. GRCh37 (hg19) VCF-style: chr1-1149126-G-A.
Other names: short protein forms T62M.
Identifiers: ClinVar variation 1413367 (VCV001413367.8), dbSNP rs368516876, ClinGen allele CA512633.